The following is an entry in ClinVar:

ClinVar aggregate classification (germline): Conflicting classifications of pathogenicity. Review status: criteria provided, conflicting classifications (1 of 4 stars). 7 submissions from 7 submitters: Uncertain significance (4); Likely benign (3). Last evaluated 2024-09-10.

Conditions:
Inborn genetic diseases. Identifiers: MedGen C0950123, MeSH D030342.
Hearing impairment. Also called: Impaired Hearing. Identifiers: MedGen C1384666, MONDO:0005365, HP:0000365.
Branchiootic syndrome 3 (BOS3). Also called: BO SYNDROME 3. Identifiers: MedGen C1842124, MONDO:0012025, OMIM 608389.
Autosomal dominant nonsyndromic hearing loss 23. Identifiers: Orphanet 90635, MedGen C1854594, MONDO:0011519, OMIM 605192.

Allele frequency attached by ClinVar (database versions not stated): gnomAD exomes 0.00002; TOPMed 0.00002; gnomAD 0.00003.
gnomAD v4.1: 103 of 1,614,026 alleles (0.0064%); highest among the groups gnomAD compares: Non-Finnish European, 0.0086%; no homozygotes.

Submissions (7):

Blueprint Genetics
Classification: Likely benign. Last evaluated: 2024-09-10. Review status: criteria provided, single submitter. Criteria: ACMG Guidelines, 2015. Collection method: clinical testing. Allele origin: germline.

Labcorp Genetics (formerly Invitae), Labcorp
Classification: Uncertain significance for Autosomal dominant nonsyndromic hearing loss 23; Branchiootic syndrome 3. Last evaluated: 2024-07-06. Review status: criteria provided, single submitter. Criteria: Invitae Variant Classification Sherloc (09022015). Collection method: clinical testing. Allele origin: germline.
Comment: This sequence change replaces arginine, which is basic and polar, with histidine, which is basic and polar, at codon 64 of the SIX1 protein (p.Arg64His). This variant is present in population databases (no rsID available, gnomAD 0.004%). This missense change has been observed in individual(s) with SIX1-related conditions (PMID: 34906515). ClinVar contains an entry for this variant (Variation ID: 444331). Advanced modeling of protein sequence and biophysical properties (such as structural, functional, and spatial information, amino acid conservation, physicochemical variation, residue mobility, and thermodynamic stability) performed at Invitae indicates that this missense variant is not expected to disrupt SIX1 protein function with a negative predictive value of 80%. In summary, the available evidence is currently insufficient to determine the role of this variant in disease. Therefore, it has been classified as a Variant of Uncertain Significance.

Fulgent Genetics
Classification: Likely benign for Autosomal dominant nonsyndromic hearing loss 23; Branchiootic syndrome 3. Last evaluated: 2024-03-14. Review status: criteria provided, single submitter. Criteria: ACMG Guidelines, 2015. Collection method: clinical testing. Allele origin: germline.

Ambry Genetics
Classification: Uncertain significance for Inborn genetic diseases. Last evaluated: 2022-01-18. Review status: criteria provided, single submitter. Criteria: Ambry Variant Classification Scheme 2023. Collection method: clinical testing. Allele origin: germline.

Department of Otolaryngology – Head & Neck Surgery, Cochlear Implant Center
Classification: Uncertain significance for Hearing impairment. Last evaluated: 2021-04-12. Review status: criteria provided, single submitter. Criteria: ClinGen HL ACMG Specifications v1. Collection method: clinical testing. Allele origin: germline. Affected: yes.
Comment: PM2_Moderate, PP3_Supporting

GeneDx
Classification: Likely benign. Last evaluated: 2020-03-12. Review status: criteria provided, single submitter. Criteria: GeneDx Variant Classification Process June 2021. Collection method: clinical testing. Allele origin: germline. Affected: yes.
Comment: In silico analysis supports that this missense variant has a deleterious effect on protein structure/function; Has not been previously published as pathogenic or benign to our knowledge

CeGaT Center for Human Genetics Tuebingen
Classification: Uncertain significance. Last evaluated: 2017-05-01. Review status: criteria provided, single submitter. Criteria: CeGaT Center For Human Genetics Tuebingen Variant Classification Criteria Version 2. Collection method: clinical testing. Allele origin: germline. Affected: yes. Observed: 1 variant allele.

Literature cited by the submitters: PubMed 34906515 (cited by Labcorp Genetics (formerly Invitae), Labcorp).

NM_005982.4(SIX1):c.191G>A (p.Arg64His)

Gene: SIX1 (SIX homeobox 1; minus strand). Cytogenetic location: 14q23.1.
Variant type: single nucleotide variant.
Coding change: c.191G>A on transcript NM_005982.4 (MANE Select); coding-DNA position 191, G replaced by A.
Protein change: p.Arg64His; replaces arginine 64 with histidine.
Molecular consequence: missense variant.
Genome position (GRCh38, 1-based): chr14:60,648,999, C>T on the plus strand (G>A on the coding strand, the complement: SIX1 is on the minus strand). VCF-style: chr14-60648999-C-T. GRCh37 (hg19) VCF-style: chr14-61115717-C-T.
Other names: short protein forms R64H.
Identifiers: ClinVar variation 444331 (VCV000444331.58), dbSNP rs1051653507, ClinGen allele CA261723226.